The following is an entry in ClinVar:

NM_001354604.2(MITF):c.685G>T (p.Asp229Tyr)

Gene: MITF (melanocyte inducing transcription factor; plus strand). Cytogenetic location: 3p13.
Variant type: single nucleotide variant.
Coding change: c.685G>T on transcript NM_001354604.2 (MANE Select); coding-DNA position 685, G replaced by T.
Protein change: p.Asp229Tyr; replaces aspartic acid 229 with tyrosine.
Molecular consequence: missense variant.
Genome position (GRCh38, 1-based): chr3:69,941,254, G>T. VCF-style: chr3-69941254-G-T. GRCh37 (hg19) VCF-style: chr3-69990405-G-T.
Other names: c.364G>T, p.Asp122Tyr (NM_000248.4, NM_198158.3); c.529G>T, p.Asp177Tyr (NM_001184967.2, NM_001354608.2); c.682G>T, p.Asp228Tyr (NM_001354605.2, NM_001354606.2, NM_006722.3); c.634G>T, p.Asp212Tyr (NM_001354607.2); c.685G>T, p.Asp229Tyr (NM_198159.3); c.637G>T, p.Asp213Tyr (NM_198177.3); c.196G>T, p.Asp66Tyr (NM_198178.3); short protein forms D122Y, D177Y, D212Y, D213Y, D228Y, D229Y, D66Y.
Identifiers: ClinVar variation 4860058 (VCV004860058.1).

ClinVar aggregate classification (germline): Uncertain significance (1 of 4 stars; one submission).

Conditions:
Hereditary cancer-predisposing syndrome. Also called: Neoplastic Syndromes, Hereditary; Tumor predisposition; Hereditary Cancer Syndrome; Hereditary neoplastic syndrome. Identifiers: Orphanet 140162, MedGen C0027672, MeSH D009386, MONDO:0015356.

Submission:

Ambry Genetics
Classification: Uncertain significance for Hereditary cancer-predisposing syndrome. Last evaluated: 2026-04-10. Review status: criteria provided, single submitter. Criteria: Ambry Variant Classification Scheme 2023. Collection method: clinical testing. Allele origin: germline.
Comment: The p.D122Y variant (also known as c.364G>T), located in coding exon 4 of the MITF gene, results from a G to T substitution at nucleotide position 364. The aspartic acid at codon 122 is replaced by tyrosine, an amino acid with highly dissimilar properties. This amino acid position is conserved. In addition, this alteration is predicted to be deleterious by in silico analysis. Based on the available evidence, the clinical significance of this variant remains unclear.